The following is an entry in ClinVar:

ClinVar aggregate classification (germline): Uncertain significance (1 of 4 stars; one submission).

gnomAD v4.1: 26 of 1,614,100 alleles (0.0016%); highest among the groups gnomAD compares: Non-Finnish European, 0.0022%; no homozygotes.

Submission:

Labcorp Genetics (formerly Invitae), Labcorp
Classification: Uncertain significance. Last evaluated: 2024-12-16. Review status: criteria provided, single submitter. Criteria: Invitae Variant Classification Sherloc (09022015). Collection method: clinical testing. Allele origin: germline.
Comment: This sequence change replaces lysine, which is basic and polar, with asparagine, which is neutral and polar, at codon 161 of the CANT1 protein (p.Lys161Asn). This variant is present in population databases (no rsID available, gnomAD 0.007%). This variant has not been reported in the literature in individuals affected with CANT1-related conditions. Invitae Evidence Modeling of protein sequence and biophysical properties (such as structural, functional, and spatial information, amino acid conservation, physicochemical variation, residue mobility, and thermodynamic stability) indicates that this missense variant is not expected to disrupt CANT1 protein function with a negative predictive value of 95%. In summary, the available evidence is currently insufficient to determine the role of this variant in disease. Therefore, it has been classified as a Variant of Uncertain Significance.

NM_001159773.2(CANT1):c.483G>C (p.Lys161Asn)

Gene: CANT1 (calcium activated nucleotidase 1; minus strand). Cytogenetic location: 17q25.3.
Variant type: single nucleotide variant.
Coding change: c.483G>C on transcript NM_001159773.2 (MANE Select); coding-DNA position 483, G replaced by C.
Protein change: p.Lys161Asn; replaces lysine 161 with asparagine.
Molecular consequence: missense variant.
Genome position (GRCh38, 1-based): chr17:78,997,140, C>G on the plus strand (G>C on the coding strand, the complement: CANT1 is on the minus strand). VCF-style: chr17-78997140-C-G. GRCh37 (hg19) VCF-style: chr17-76993222-C-G.
Other names: c.483G>C, p.Lys161Asn (NM_001159772.2, NM_138793.4); short protein forms K161N.
Identifiers: ClinVar variation 3611016 (VCV003611016.2).
Genomic context (GRCh38, chr17:78,997,140, plus strand): 5'-ATCCACGGAGTAGAGTTTCCCATTGAAAACAATCAGGTCGGATAGCTCCATGCCTCTCCC[C>G]TTCTCCGCCAGGTGGGACTCCAGGACCCCATGGTCTTTGTCCCATTCCACGGCCACCTTG-3'
Protein context (NP_001153245.1, residues 151-171): HGVLESHLAE[Lys161Asn]GRGMELSDLI